The following is an entry in ClinVar:

NM_173689.7(CRB2):c.3164G>A (p.Arg1055His)

Gene: CRB2 (crumbs cell polarity complex component 2; plus strand). Cytogenetic location: 9q33.3.
Variant type: single nucleotide variant.
Coding change: c.3164G>A on transcript NM_173689.7 (MANE Select); coding-DNA position 3164, G replaced by A.
Protein change: p.Arg1055His; replaces arginine 1055 with histidine.
Molecular consequence: missense variant. On other transcripts: non-coding transcript variant (1).
Genome position (GRCh38, 1-based): chr9:123,373,695, G>A. VCF-style: chr9-123373695-G-A. GRCh37 (hg19) VCF-style: chr9-126135974-G-A.
Other names: short protein forms R1055H.
Identifiers: ClinVar variation 2094050 (VCV002094050.4), dbSNP rs1283832349, ClinGen allele CA374868149.

ClinVar aggregate classification (germline): Uncertain significance (1 of 4 stars; one submission).

Allele frequency attached by ClinVar (database versions not stated): gnomAD exomes below 0.00001.
gnomAD v4.1: 4 of 1,485,456 alleles (0.00027%); highest among the groups gnomAD compares: Non-Finnish European, 0.00027%; no homozygotes.

Submission:

Labcorp Genetics (formerly Invitae), Labcorp
Classification: Uncertain significance. Last evaluated: 2022-09-01. Review status: criteria provided, single submitter. Criteria: Invitae Variant Classification Sherloc (09022015). Collection method: clinical testing. Allele origin: germline.
Comment: In summary, the available evidence is currently insufficient to determine the role of this variant in disease. Therefore, it has been classified as a Variant of Uncertain Significance. Advanced modeling of protein sequence and biophysical properties (such as structural, functional, and spatial information, amino acid conservation, physicochemical variation, residue mobility, and thermodynamic stability) performed at Invitae indicates that this missense variant is not expected to disrupt CRB2 protein function. This variant has not been reported in the literature in individuals affected with CRB2-related conditions. The frequency data for this variant in the population databases is considered unreliable, as metrics indicate poor data quality at this position in the gnomAD database. This sequence change replaces arginine, which is basic and polar, with histidine, which is basic and polar, at codon 1055 of the CRB2 protein (p.Arg1055His).